The following is an entry in ClinVar:

ClinVar aggregate classification (germline): Uncertain significance (1 of 4 stars; one submission).

Conditions:
Crigler-Najjar syndrome type 1. Also called: HYPERBILIRUBINEMIA, CRIGLER-NAJJAR TYPE I. Identifiers: Orphanet 79234, MedGen C0010324, MONDO:0021020, OMIM 218800.

Allele frequency attached by ClinVar (database versions not stated): gnomAD exomes 0.00001; ExAC 0.00002.
gnomAD v4.1: 5 of 1,614,188 alleles (0.00031%); highest among the groups gnomAD compares: Non-Finnish European, 0.00034%; no homozygotes.

Submission:

MGZ Medical Genetics Center
Classification: Uncertain significance for Crigler-Najjar syndrome type 1. Last evaluated: 2021-10-06. Review status: criteria provided, single submitter. Criteria: ACMG Guidelines, 2015. Collection method: clinical testing. Allele origin: germline. Affected: yes. Observed: 1 variant allele.
Comment: ACMG criteria applied: PM2

NM_000463.3(UGT1A1):c.1173G>A (p.Met391Ile)

Genes: UGT1A7 (UDP glucuronosyltransferase family 1 member A7; plus strand), UGT1A10 (UDP glucuronosyltransferase family 1 member A10; plus strand), UGT1A9 (UDP glucuronosyltransferase family 1 member A9; plus strand), UGT1A4 (UDP glucuronosyltransferase family 1 member A4; plus strand), UGT1A5 (UDP glucuronosyltransferase family 1 member A5; plus strand) and 5 more. Cytogenetic location: 2q37.1.
Variant type: single nucleotide variant.
Coding change: c.1173G>A on transcript NM_000463.3 (MANE Select); coding-DNA position 1173, G replaced by A.
Protein change: p.Met391Ile; replaces methionine 391 with isoleucine.
Molecular consequence: missense variant.
Genome position (GRCh38, 1-based): chr2:233,768,308, G>A. VCF-style: chr2-233768308-G-A. GRCh37 (hg19) VCF-style: chr2-234676954-G-A.
Other names: c.1164G>A, p.Met388Ile (NM_019075.4, NM_019076.5, NM_019077.3 and 1 more transcripts); c.1170G>A, p.Met390Ile (NM_001072.4); c.369G>A, p.Met123Ile (NM_205862.3); c.1176G>A, p.Met392Ile (NM_019078.2, NM_007120.3, NM_019093.4); short protein forms M123I, M388I, M390I, M391I, M392I.
Identifiers: ClinVar variation 1709801 (VCV001709801.2), dbSNP rs751355128, ClinGen allele CA2180023.